The following is an entry in ClinVar:

NM_001278116.2(L1CAM):c.3710C>T (p.Ala1237Val)

Gene: L1CAM (L1 cell adhesion molecule; minus strand). Cytogenetic location: Xq28.
Variant type: single nucleotide variant.
Coding change: c.3710C>T on transcript NM_001278116.2 (MANE Select); coding-DNA position 3710, C replaced by T.
Protein change: p.Ala1237Val; replaces alanine 1237 with valine.
Molecular consequence: missense variant.
Genome position (GRCh38, 1-based): chrX:153,862,727, G>A on the plus strand (C>T on the coding strand, the complement: L1CAM is on the minus strand). VCF-style: chrX-153862727-G-A. GRCh37 (hg19) VCF-style: chrX-153128182-G-A.
Other names: c.3710C>T, p.Ala1237Val (NM_000425.5); c.3683C>T, p.Ala1228Val (NM_001143963.2); c.3698C>T, p.Ala1233Val (NM_024003.3); short protein forms A1228V, A1233V, A1237V.
Identifiers: ClinVar variation 1050405 (VCV001050405.34), dbSNP rs370546591, ClinGen allele CA10553884.
Genomic context (GRCh38, chrX:153,862,727, plus strand): 5'-TCTAGGGCCACGGCAGGGTTGATGGGGGAAGTGGCCCCTGAGCTGTCATTGCCCCCTGCC[G>A]CCTCCTTCTCCTTCTTGCCACTGTACTGGCCAATGAACGAACCATCCTCGTTGAACTGAA-3'
Protein context (NP_001265045.1, residues 1227-1247): GQYSGKKEKE[Ala1237Val]AGGNDSSGAT

ClinVar aggregate classification (germline): Benign/Likely benign. Review status: criteria provided, multiple submitters, no conflicts (2 of 4 stars). 4 submissions from 4 submitters: Benign (1); Likely benign (2). 1 of the submissions does not count toward it. Last evaluated 2026-01-28.

Conditions:
Inborn genetic diseases. Identifiers: MedGen C0950123, MeSH D030342.
Spastic paraplegia. Identifiers: MedGen C0037772, HP:0001258.

Allele frequency attached by ClinVar (database versions not stated): gnomAD 0.00007 and 0.00008; ExAC 0.00008; gnomAD exomes 0.00008; ESP Exome Variant Server 0.00009.
gnomAD v4.1: 41 of 1,210,824 alleles (0.0034%); highest among the groups gnomAD compares: South Asian, 0.0035%; 1 homozygote.

Submissions (4):

Labcorp Genetics (formerly Invitae), Labcorp
Classification: Benign for Spastic paraplegia. Last evaluated: 2026-01-28. Review status: criteria provided, single submitter. Criteria: Invitae Variant Classification Sherloc (09022015). Collection method: clinical testing. Allele origin: germline.

CeGaT Center for Human Genetics Tuebingen
Classification: Likely benign. Last evaluated: 2023-09-01. Review status: criteria provided, single submitter. Criteria: CeGaT Center For Human Genetics Tuebingen Variant Classification Criteria Version 2. Collection method: clinical testing. Allele origin: germline. Affected: yes. Observed: 1 variant allele.
Comment: L1CAM: BP4, BS2

Ambry Genetics
Classification: Likely benign for Inborn genetic diseases. Last evaluated: 2017-06-22. Review status: criteria provided, single submitter. Criteria: Ambry Variant Classification Scheme 2023. Collection method: clinical testing. Allele origin: germline.

Department of Pathology and Laboratory Medicine, Sinai Health System
Classification: Likely benign. Review status: no assertion criteria provided. Collection method: clinical testing. Allele origin: unknown. Affected: yes. Study: The Canadian Open Genetics Repository (COGR). Not counted in ClinVar's aggregate classification.
Comment: The L1CAM p.Ala1233Val variant was not identified in the literature nor was it identified in ClinVar or LOVD 3.0. The variant was identified in dbSNP (ID: rs370546591) and in control databases in 15 of 203715 chromosomes (1 homozygous; 5 hemizygous) at a frequency of 0.00007363 (Genome Aggregation Database March 6, 2019, v2.1.1). The variant was observed in the following populations: Ashkenazi Jewish in 8 of 7656 chromosomes (freq: 0.001045), South Asian in 2 of 19073 chromosomes (freq: 0.000105), African in 1 of 19098 chromosomes (freq: 0.000052) and European (non-Finnish) in 4 of 91041 chromosomes (freq: 0.000044), but was not observed in the Latino, East Asian, European (Finnish), or Other populations. The p.Ala1233 residue is conserved in mammals but not in more distantly related organisms however four out of five computational analyses (PolyPhen-2, SIFT, AlignGVGD, BLOSUM, MutationTaster) do not suggest a high likelihood of impact to the protein; this information is not predictive enough to rule out pathogenicity. The variant occurs outside of the splicing consensus sequence and in silico or computational prediction software programs (SpliceSiteFinder, MaxEntScan, NNSPLICE, GeneSplicer) do not predict a difference in splicing. In summary, based on the above information the clinical significance of this variant cannot be determined with certainty at this time although we would lean towards a more benign role for this variant. This variant is classified as likely benign.